The following is an entry in ClinVar:

ClinVar aggregate classification (germline): Uncertain significance. Review status: criteria provided, multiple submitters, no conflicts (2 of 4 stars). 2 submissions from 2 submitters: Uncertain significance (2). Last evaluated 2025-03-03.

Conditions:
Inborn genetic diseases. Identifiers: MedGen C0950123, MeSH D030342.

Allele frequency attached by ClinVar (database versions not stated): gnomAD 0.00001; gnomAD exomes 0.00001; TOPMed 0.00001.
gnomAD v4.1: 10 of 1,582,154 alleles (0.00063%); highest among the groups gnomAD compares: Admixed American, 0.0072%; no homozygotes.

Submissions (2):

Labcorp Genetics (formerly Invitae), Labcorp
Classification: Uncertain significance. Last evaluated: 2025-03-03. Review status: criteria provided, single submitter. Criteria: Invitae Variant Classification Sherloc (09022015). Collection method: clinical testing. Allele origin: germline.
Comment: This sequence change replaces proline, which is neutral and non-polar, with leucine, which is neutral and non-polar, at codon 330 of the PCYT1A protein (p.Pro330Leu). This variant is not present in population databases (gnomAD no frequency). This variant has not been reported in the literature in individuals affected with PCYT1A-related conditions. ClinVar contains an entry for this variant (Variation ID: 1461595). Invitae Evidence Modeling of protein sequence and biophysical properties (such as structural, functional, and spatial information, amino acid conservation, physicochemical variation, residue mobility, and thermodynamic stability) has been performed for this missense variant. However, the output from this modeling did not meet the statistical confidence thresholds required to predict the impact of this variant on PCYT1A protein function. In summary, the available evidence is currently insufficient to determine the role of this variant in disease. Therefore, it has been classified as a Variant of Uncertain Significance.

Ambry Genetics
Classification: Uncertain significance for Inborn genetic diseases. Last evaluated: 2023-05-23. Review status: criteria provided, single submitter. Criteria: Ambry Variant Classification Scheme 2023. Collection method: clinical testing. Allele origin: germline.

NM_001312673.2(PCYT1A):c.989C>T (p.Pro330Leu)

Gene: PCYT1A (phosphate cytidylyltransferase 1A, choline; minus strand). Cytogenetic location: 3q29.
Variant type: single nucleotide variant.
Coding change: c.989C>T on transcript NM_001312673.2 (MANE Select); coding-DNA position 989, C replaced by T.
Protein change: p.Pro330Leu; replaces proline 330 with leucine.
Molecular consequence: missense variant.
Genome position (GRCh38, 1-based): chr3:196,238,803, G>A on the plus strand (C>T on the coding strand, the complement: PCYT1A is on the minus strand). VCF-style: chr3-196238803-G-A. GRCh37 (hg19) VCF-style: chr3-195965674-G-A.
Other names: c.989C>T (NM_005017.2); c.989C>T, p.Pro330Leu (NM_005017.4); short protein forms P330L.
Identifiers: ClinVar variation 1461595 (VCV001461595.6), dbSNP rs1222327977, ClinGen allele CA355607895.